The following is an entry in ClinVar:

ClinVar aggregate classification (germline): Conflicting classifications of pathogenicity. Review status: criteria provided, conflicting classifications (1 of 4 stars). 8 submissions from 8 submitters: Uncertain significance (6); Likely benign (1). 1 of the submissions does not count toward it. Last evaluated 2026-01-18.

Conditions:
APC-related disorder. Also called: APC-related condition.
Familial adenomatous polyposis 1 (FAP1). Also called: FAMILIAL ADENOMATOUS POLYPOSIS 1, ATTENUATED; POLYPOSIS, ADENOMATOUS INTESTINAL. Identifiers: MedGen C2713442, MONDO:0021056, OMIM 175100. Disease mechanism: loss of function.
Hereditary cancer-predisposing syndrome. Also called: Neoplastic Syndromes, Hereditary; Tumor predisposition; Hereditary neoplastic syndrome; Hereditary Cancer Syndrome. Identifiers: Orphanet 140162, MedGen C0027672, MeSH D009386, MONDO:0015356.
Classic or attenuated familial adenomatous polyposis. Identifiers: MedGen CN372698, MONDO:0021057.

Allele frequency attached by ClinVar (database versions not stated): ExAC 0.00002; gnomAD 0.00001; TOPMed 0.00001; gnomAD exomes 0.00002.
gnomAD v4.1: 11 of 1,613,658 alleles (0.00068%); highest among the groups gnomAD compares: Admixed American, 0.0017%; no homozygotes.

Submissions (8):

Labcorp Genetics (formerly Invitae), Labcorp
Classification: Uncertain significance for Familial adenomatous polyposis 1. Last evaluated: 2026-01-18. Review status: criteria provided, single submitter. Criteria: Invitae Variant Classification Sherloc (09022015). Collection method: clinical testing. Allele origin: germline.
Comment: This sequence change replaces glycine, which is neutral and non-polar, with aspartic acid, which is acidic and polar, at codon 2677 of the APC protein (p.Gly2677Asp). This variant is present in population databases (rs760391304, gnomAD 0.004%). This variant has not been reported in the literature in individuals affected with APC-related conditions. ClinVar contains an entry for this variant (Variation ID: 411545). Invitae Evidence Modeling of protein sequence and biophysical properties (such as structural, functional, and spatial information, amino acid conservation, physicochemical variation, residue mobility, and thermodynamic stability) indicates that this missense variant is not expected to disrupt APC protein function with a negative predictive value of 95%. In summary, the available evidence is currently insufficient to determine the role of this variant in disease. Therefore, it has been classified as a Variant of Uncertain Significance.

Ambry Genetics
Classification: Likely benign for Hereditary cancer-predisposing syndrome. Last evaluated: 2025-12-16. Review status: criteria provided, single submitter. Criteria: Ambry Variant Classification Scheme 2023. Collection method: clinical testing. Allele origin: germline.

Quest Diagnostics Nichols Institute San Juan Capistrano
Classification: Uncertain significance. Last evaluated: 2025-02-12. Review status: criteria provided, single submitter. Criteria: Quest Diagnostics criteria. Collection method: clinical testing. Allele origin: unknown.
Comment: The APC c.8030G>A (p.Gly2677Asp) variant has not been reported in the published literature in individuals with APC-related conditions. The frequency of this variant in the general population (Genome Aggregation Database) is uninformative in the assessment of its pathogenicity. Analysis of this variant using bioinformatics tools for the prediction of the effect of amino acid changes on protein structure and function yielded predictions that this variant is damaging. Based on the available information, we are unable to determine the clinical significance of this variant.

Color Diagnostics, LLC DBA Color Health
Classification: Uncertain significance for Hereditary cancer-predisposing syndrome. Last evaluated: 2024-03-06. Review status: criteria provided, single submitter. Criteria: ACMG Guidelines, 2015. Collection method: clinical testing. Allele origin: germline.
Comment: This missense variant replaces glycine with aspartic acid at codon 2677 of the APC protein. Computational prediction suggests that this variant may not impact protein structure and function (internally defined REVEL score threshold <= 0.5, PMID: 27666373). To our knowledge, functional studies have not been reported for this variant. This variant has not been reported in individuals affected with hereditary cancer in the literature. This variant has been identified in 5/251240 chromosomes in the general population by the Genome Aggregation Database (gnomAD). The available evidence is insufficient to determine the role of this variant in disease conclusively. Therefore, this variant is classified as a Variant of Uncertain Significance.

Baylor Genetics
Classification: Uncertain significance for Familial adenomatous polyposis 1. Last evaluated: 2023-09-26. Review status: criteria provided, single submitter. Criteria: ACMG Guidelines, 2015. Collection method: clinical testing. Allele origin: unknown.

All of Us Research Program, National Institutes of Health
Classification: Uncertain significance for Classic or attenuated familial adenomatous polyposis. Last evaluated: 2023-06-28. Review status: criteria provided, single submitter. Criteria: ACMG Guidelines, 2015. Collection method: clinical testing. Allele origin: germline. Inheritance: Autosomal dominant inheritance. Observed: 2 variant alleles, 2 heterozygotes.
Comment: This missense variant replaces glycine with aspartic acid at codon 2677 of the APC protein. Computational prediction suggests that this variant may not impact protein structure and function (internally defined REVEL score threshold <= 0.5, PMID: 27666373). To our knowledge, functional studies have not been reported for this variant. This variant has not been reported in individuals affected with hereditary cancer in the literature. This variant has been identified in 5/251240 chromosomes in the general population by the Genome Aggregation Database (gnomAD). The available evidence is insufficient to determine the role of this variant in disease conclusively. Therefore, this variant is classified as a Variant of Uncertain Significance.

This study involves interpretation of variants in research participants for the purpose of population health screening. Participant phenotype was not available at the time of variant classification. Additional details can be found in publication PMID: 35346344, PMCID: PMC8962531

GeneDx
Classification: Uncertain significance. Last evaluated: 2023-04-10. Review status: criteria provided, single submitter. Criteria: GeneDx Variant Classification Process June 2021. Collection method: clinical testing. Allele origin: germline. Affected: yes.
Comment: Not observed at significant frequency in large population cohorts (gnomAD); In silico analysis supports that this missense variant does not alter protein structure/function; Has not been previously published as pathogenic or benign to our knowledge; This variant is associated with the following publications: (PMID: 18199528)

PreventionGenetics, part of Exact Sciences
Classification: Uncertain significance for APC-related condition. Last evaluated: 2024-03-06. Review status: no assertion criteria provided. Collection method: clinical testing. Allele origin: germline. Not counted in ClinVar's aggregate classification.
Comment: The APC c.8030G>A variant is predicted to result in the amino acid substitution p.Gly2677Asp. To our knowledge, this variant has not been reported in the literature. This variant is reported in 0.0035% of alleles in individuals of European (Non-Finnish) descent in gnomAD and in ClinVar, it is reported as uncertain significance. At this time, the clinical significance of this variant is uncertain due to the absence of conclusive functional and genetic evidence.

Literature cited by the submitters: PubMed 29245953 (cited by Quest Diagnostics Nichols Institute San Juan Capistrano).

NM_000038.6(APC):c.8030G>A (p.Gly2677Asp)

Gene: APC (APC regulator of Wnt signaling pathway; plus strand). Cytogenetic location: 5q22.2.
Variant type: single nucleotide variant.
Coding change: c.8030G>A on transcript NM_000038.6 (MANE Select); coding-DNA position 8030, G replaced by A.
Protein change: p.Gly2677Asp; replaces glycine 2677 with aspartic acid.
Molecular consequence: missense variant.
Genome position (GRCh38, 1-based): chr5:112,843,624, G>A. VCF-style: chr5-112843624-G-A. GRCh37 (hg19) VCF-style: chr5-112179321-G-A.
Other names: c.8030G>A, p.Gly2677Asp (NM_001127510.3, NM_001354895.2); c.7976G>A, p.Gly2659Asp (NM_001127511.3); c.8084G>A, p.Gly2695Asp (NM_001354896.2); c.8060G>A, p.Gly2687Asp (NM_001354897.2); c.7955G>A, p.Gly2652Asp (NM_001354898.2); c.7946G>A, p.Gly2649Asp (NM_001354899.2); c.7907G>A, p.Gly2636Asp (NM_001354900.2); c.7853G>A, p.Gly2618Asp (NM_001354901.2); and 5 more; short protein forms G2677D, G2659D, G2586D, G2618D, G2636D, G2649D, G2517D, G2551D.
Identifiers: ClinVar variation 411545 (VCV000411545.25), dbSNP rs760391304, ClinGen allele CA049704.